The following is an entry in ClinVar:

NM_000340.2(SLC2A2):c.*474A>G

Gene: SLC2A2 (solute carrier family 2 member 2; minus strand). Cytogenetic location: 3q26.2.
Variant type: single nucleotide variant.
Coding change: c.*474A>G on transcript NM_000340.2 (MANE Select); 474 bases downstream of the stop codon, A replaced by G.
Molecular consequence: 3 prime UTR variant.
Genome position (GRCh38, 1-based): chr3:170,997,429, T>C on the plus strand (A>G on the coding strand, the complement: SLC2A2 is on the minus strand). VCF-style: chr3-170997429-T-C. GRCh37 (hg19) VCF-style: chr3-170715218-T-C.
Other names: c.*474A>G (NM_001278658.2, NM_001278659.2).
Identifiers: ClinVar variation 344151 (VCV000344151.5), dbSNP rs114710971, ClinGen allele CA10615803.
Genomic context (GRCh38, chr3:170,997,429, plus strand): 5'-CAAAAGTAAAATTTTAAGCAAAATACAAATTCTAGTACTCAAGAAAAAAGCTGAGTGCAA[T>C]AAATGGAAGAGTTGTCTATTTTAACATGGAACTTATTGCCACTAGCCATATCTCCTTTAA-3'

ClinVar aggregate classification (germline): Benign (1 of 4 stars; one submission).

Conditions:
Fanconi-Bickel syndrome (FBS). Also called: HEPATIC GLYCOGENOSIS WITH FANCONI NEPHROPATHY; HEPATORENAL GLYCOGENOSIS WITH RENAL FANCONI SYNDROME; PSEUDO-PHLORIZIN DIABETES; Glycogen storage disease due to GLUT2 deficiency; FANCONI SYNDROME WITH INTESTINAL MALABSORPTION AND GALACTOSE INTOLERANCE; HEPATIC GLYCOGENOSIS WITH AMINO ACIDURIA AND GLUCOSURIA. Identifiers: Orphanet 2088, MedGen C3495427, MONDO:0009216, OMIM 227810.

Allele frequency attached by ClinVar (database versions not stated): gnomAD exomes 0.00059; gnomAD 0.01063 and 0.01147; 1000 Genomes Project 0.01158; TOPMed 0.01232; 1000 Genomes Project 30x 0.01296.
gnomAD v4.1: 1,606 of 159,238 alleles (1%); highest among the groups gnomAD compares: African/African-American, 3.6%; 35 homozygotes.

Submission:

Illumina Laboratory Services, Illumina
Classification: Benign for Fanconi-Bickel syndrome. Last evaluated: 2018-01-12. Review status: criteria provided, single submitter. Criteria: ICSL Variant Classification Criteria 13 December 2019. Collection method: clinical testing. Allele origin: germline.
Comment: This variant was observed in the ICSL laboratory as part of a predisposition screen in an ostensibly healthy population. It had not been previously curated by ICSL or reported in the Human Gene Mutation Database (HGMD: prior to June 1st, 2018), and was therefore a candidate for classification through an automated scoring system. Utilizing variant allele frequency, disease prevalence and penetrance estimates, and inheritance mode, an automated score was calculated to assess if this variant is too frequent to cause the disease. Based on the score and internal cut-off values, a variant classified as benign is not then subjected to further curation. The score for this variant resulted in a classification of benign for this disease.